The following is an entry in ClinVar:

NM_004360.5(CDH1):c.2316G>A (p.Leu772=)

Gene: CDH1 (cadherin 1; plus strand). Cytogenetic location: 16q22.1.
Variant type: single nucleotide variant.
Coding change: c.2316G>A on transcript NM_004360.5 (MANE Select); coding-DNA position 2316, G replaced by A.
Protein change: p.Leu772=; no amino-acid change (leucine 772 retained).
Molecular consequence: synonymous variant.
Genome position (GRCh38, 1-based): chr16:68,829,674, G>A. VCF-style: chr16-68829674-G-A. GRCh37 (hg19) VCF-style: chr16-68863577-G-A.
Other names: c.2133G>A, p.Leu711= (NM_001317184.2); c.768G>A, p.Leu256= (NM_001317185.2); c.351G>A, p.Leu117= (NM_001317186.2).
Identifiers: ClinVar variation 1561633 (VCV001561633.11), dbSNP rs1057523941, ClinGen allele CA496157354.

ClinVar aggregate classification (germline): Benign/Likely benign. Review status: criteria provided, multiple submitters, no conflicts (2 of 4 stars). 3 submissions from 3 submitters: Benign (1); Likely benign (2). Last evaluated 2024-09-23.

Conditions:
Hereditary cancer-predisposing syndrome. Also called: Neoplastic Syndromes, Hereditary; Hereditary Cancer Syndrome; Hereditary neoplastic syndrome; Tumor predisposition. Identifiers: Orphanet 140162, MedGen C0027672, MeSH D009386, MONDO:0015356.
Hereditary diffuse gastric adenocarcinoma (HDGC). Also called: DIFFUSE GASTRIC AND LOBULAR BREAST CANCER SYNDROME. Identifiers: Orphanet 26106, MedGen C1708349, MONDO:0007648, OMIM 137215.

gnomAD v4.1: 1 of 1,614,106 alleles (0.000062%); highest among the groups gnomAD compares: Non-Finnish European, 0.000085%; no homozygotes.

Submissions (3):

Myriad Genetics, Inc.
Classification: Benign for Hereditary diffuse gastric adenocarcinoma. Last evaluated: 2024-09-23. Review status: criteria provided, single submitter. Criteria: Myriad Autosomal Dominant, Autosomal Recessive and X-Linked Classification Criteria (2023). Collection method: clinical testing. Allele origin: unknown.
Comment: This variant is considered benign. This variant is a silent/synonymous amino acid change and it is not expected to impact splicing.

Labcorp Genetics (formerly Invitae), Labcorp
Classification: Likely benign for Hereditary diffuse gastric adenocarcinoma. Last evaluated: 2021-08-15. Review status: criteria provided, single submitter. Criteria: Invitae Variant Classification Sherloc (09022015). Collection method: clinical testing. Allele origin: germline.

Ambry Genetics
Classification: Likely benign for Hereditary cancer-predisposing syndrome. Last evaluated: 2020-03-10. Review status: criteria provided, single submitter. Criteria: Ambry Variant Classification Scheme 2023. Collection method: clinical testing. Allele origin: germline.